The following is an entry in ClinVar:

NM_001136472.2(LITAF):c.3G>T (p.Met1Ile)

Gene: LITAF (lipopolysaccharide induced TNF factor; minus strand). Cytogenetic location: 16p13.13.
Variant type: single nucleotide variant.
Coding change: c.3G>T on transcript NM_001136472.2 (MANE Select); coding-DNA position 3, G replaced by T.
Protein change: p.Met1Ile; changes the start codon (methionine 1).
Molecular consequence: missense variant, initiator codon variant. On other transcripts: non-coding transcript variant (1).
Genome position (GRCh38, 1-based): chr16:11,556,728, C>A on the plus strand (G>T on the coding strand, the complement: LITAF is on the minus strand). VCF-style: chr16-11556728-C-A. GRCh37 (hg19) VCF-style: chr16-11650584-C-A.
Other names: c.3G>T, p.Met1Ile (NM_001136473.1, NM_004862.4); short protein forms M1I.
Identifiers: ClinVar variation 2117462 (VCV002117462.5), dbSNP rs560130408, ClinGen allele CA7904206.

ClinVar aggregate classification (germline): Uncertain significance (1 of 4 stars; one submission).

Conditions:
Charcot-Marie-Tooth disease type 1C. Also called: Charcot-Marie-Tooth disease, type IC; HMSN IC; CHARCOT-MARIE-TOOTH NEUROPATHY, TYPE 1C; NEUROPATHY, HEREDITARY MOTOR AND SENSORY, TYPE IC; CHARCOT-MARIE-TOOTH DISEASE, DEMYELINATING, TYPE 1C; CMT, SLOW NERVE CONDUCTION TYPE C. Identifiers: Orphanet 101083, MedGen C0270913, MONDO:0010995, OMIM 601098.

Allele frequency attached by ClinVar (database versions not stated): 1000 Genomes Project 30x 0.00016; 1000 Genomes Project 0.00020.

Submission:

Labcorp Genetics (formerly Invitae), Labcorp
Classification: Uncertain significance for Charcot-Marie-Tooth disease type 1C. Last evaluated: 2022-03-29. Review status: criteria provided, single submitter. Criteria: Invitae Variant Classification Sherloc (09022015). Collection method: clinical testing. Allele origin: germline.
Comment: This variant has not been reported in the literature in individuals affected with LITAF-related conditions. This variant is present in population databases (rs560130408, gnomAD 0.004%). This sequence change affects the initiator methionine of the LITAF mRNA. The next in-frame methionine is located at codon 40. Experimental studies and prediction algorithms are not available or were not evaluated, and the functional significance of this variant is currently unknown. In summary, the available evidence is currently insufficient to determine the role of this variant in disease. Therefore, it has been classified as a Variant of Uncertain Significance.